The following is an entry in ClinVar:

ClinVar aggregate classification (germline): Uncertain significance (1 of 4 stars; one submission).

Conditions:
Inborn genetic diseases. Identifiers: MedGen C0950123, MeSH D030342.

Submission:

Ambry Genetics
Classification: Uncertain significance for Inborn genetic diseases. Last evaluated: 2026-08-11. Review status: criteria provided, single submitter. Criteria: Ambry Variant Classification Scheme 2023. Collection method: clinical testing. Allele origin: germline.
Comment: The c.190_201del12insCCA variant (also known as p.G64_L67delinsP), located in coding exon 3 of the RUNX1 gene, results from an in-frame deletion of 12 nucleotides (GGCGCTGCCCTG) and insertion of CCA at nucleotide positions 190 to 201. This results in the deletion of 4 residues (GAAL) and the insertion of a proline residue at codons 64 to 67. These amino acid positions are well conserved in available vertebrate species. In addition, this variant is predicted to be deleterious by in silico analysis (Choi Y et al. PLoS ONE. 2012; 7(10):e46688). Based on the available evidence, the clinical significance of this variant remains unclear.

NM_001754.5(RUNX1):c.190_201delinsCCA (p.Gly64_Leu67delinsPro)

Gene: RUNX1 (RUNX family transcription factor 1; minus strand). Cytogenetic location: 21q22.12.
Variant type: Indel.
Coding change: c.190_201delinsCCA on transcript NM_001754.5 (MANE Select); coding-DNA positions 190 to 201, GGCGCTGCCCTG replaced by CCA.
Protein change: p.Gly64_Leu67delinsPro.
Molecular consequence: inframe indel.
Genome position (GRCh38, 1-based): chr21:34,886,993-34,887,004, CAGGGCAGCGCC replaced by TGG on the plus strand (GGCGCTGCCCTG replaced by CCA on the coding strand, the reverse complement: RUNX1 is on the minus strand). VCF-style: chr21-34886993-CAGGGCAGCGCC-TGG. GRCh37 (hg19) VCF-style: chr21-36259290-CAGGGCAGCGCC-TGG.
Other names: c.190_201del12insCCA (NM_001754.4); c.109_120delinsCCA, p.Gly37_Leu40delinsPro (NM_001001890.3, NM_001122607.2).
Identifiers: ClinVar variation 5028597 (VCV005028597.1).
Genomic context (GRCh38, chr21:34,886,993, plus strand): 5'-GCCCGGGTGGTCGGCCAGCACCTCCACCATGCTGCGGTCGCCGCTCCTCAGCTTGCCGGC[CAGGGCAGCGCC>TGG]GGCGTCCGGGGCGCCCAGCGGCAACGCCTCGCTCATCTTGCCTGGGCTCAGCGCGGTGGA-3'